The following is an entry in ClinVar:

ClinVar aggregate classification (germline): Uncertain significance (1 of 4 stars; one submission).

Conditions:
RPGRIP1L-related disorder. Also called: RPGRIP1L-related disorders; RPGRIP1L-related condition. Identifiers: MedGen CN239416.

Submission:

PreventionGenetics, part of Exact Sciences
Classification: Uncertain significance for RPGRIP1L-related condition. Last evaluated: 2025-02-18. Review status: criteria provided, single submitter. Criteria: ACMG Guidelines, 2015. Collection method: clinical testing. Allele origin: germline.
Comment: The RPGRIP1L c.2915A>T variant is predicted to result in the amino acid substitution p.Asp972Val. To our knowledge, this variant has not been reported in the literature or in a large population database (gnomAD), indicating this variant is rare. At this time, the clinical significance of this variant is uncertain due to the absence of conclusive functional and genetic evidence.

NM_015272.5(RPGRIP1L):c.2915A>T (p.Asp972Val)

Gene: RPGRIP1L (RPGRIP1 like; minus strand). Cytogenetic location: 16q12.2.
Variant type: single nucleotide variant.
Coding change: c.2915A>T on transcript NM_015272.5 (MANE Select); coding-DNA position 2915, A replaced by T.
Protein change: p.Asp972Val; replaces aspartic acid 972 with valine.
Molecular consequence: missense variant.
Genome position (GRCh38, 1-based): chr16:53,641,076, T>A on the plus strand (A>T on the coding strand, the complement: RPGRIP1L is on the minus strand). VCF-style: chr16-53641076-T-A. GRCh37 (hg19) VCF-style: chr16-53674988-T-A.
Other names: c.2915A>T, p.Asp972Val (NM_001127897.4, NM_001308334.3, NM_001330538.2); short protein forms D972V.
Identifiers: ClinVar variation 4999422 (VCV004999422.1).
Genomic context (GRCh38, chr16:53,641,076, plus strand): 5'-CAGTGTCTACTACTTACATCACTCTGATGTGGCATGATATCCACGAAAGATACCTTCTTA[T>A]CTACAGGTGTTAAACGTTGTCTTGGTTTAGGTCTTGGTGCCTAAGACAAACCAACCAATG-3'
Protein context (NP_056087.2, residues 962-982): PKPRQRLTPV[Asp972Val]KKVSFVDIMP